The following is an entry in ClinVar:

NM_000088.4(COL1A1):c.333G>A (p.Glu111=)

Gene: COL1A1 (collagen type I alpha 1 chain; minus strand). Cytogenetic location: 17q21.33.
Variant type: single nucleotide variant.
Coding change: c.333G>A on transcript NM_000088.4 (MANE Select); coding-DNA position 333, G replaced by A.
Protein change: p.Glu111=; no amino-acid change (glutamic acid 111 retained).
Molecular consequence: synonymous variant.
Genome position (GRCh38, 1-based): chr17:50,199,556, C>T on the plus strand (G>A on the coding strand, the complement: COL1A1 is on the minus strand). VCF-style: chr17-50199556-C-T. GRCh37 (hg19) VCF-style: chr17-48276917-C-T.
Identifiers: ClinVar variation 1453142 (VCV001453142.6), dbSNP rs2857400, ClinGen allele CA291550707.

ClinVar aggregate classification (germline): Pathogenic (1 of 4 stars; one submission).

Conditions:
Osteogenesis imperfecta type I (OI1). Also called: Lobstein disease; Classic Non-deforming Osteogenesis Imperfecta with Blue Sclerae; OI, TYPE I; OSTEOGENESIS IMPERFECTA TARDA; OSTEOGENESIS IMPERFECTA WITH BLUE SCLERAE; Osteogenesis imperfecta type 1. Identifiers: Orphanet 216796, Orphanet 666, MedGen C0023931, MONDO:0008146, OMIM 166200. Disease mechanism: loss of function.

Submission:

Labcorp Genetics (formerly Invitae), Labcorp
Classification: Pathogenic for Osteogenesis imperfecta type I. Last evaluated: 2021-06-07. Review status: criteria provided, single submitter. Criteria: Invitae Variant Classification Sherloc (09022015). Collection method: clinical testing. Allele origin: germline.
Comment: This sequence change affects codon 111 of the COL1A1 mRNA. It is a 'silent' change, meaning that it does not change the encoded amino acid sequence of the COL1A1 protein. This variant also falls at the last nucleotide of exon 3, which is part of the consensus splice site for this exon. This variant is not present in population databases (ExAC no frequency). This variant has been observed in individual(s) with clinical features of osteogenesis imperfecta (Invitae). In at least one individual the variant was observed to be de novo. For these reasons, this variant has been classified as Pathogenic. Nucleotide substitutions within the consensus splice site are a relatively common cause of aberrant splicing (PMID: 17576681, 9536098). Algorithms developed to predict the effect of sequence changes on RNA splicing suggest that this variant may disrupt the consensus splice site, but this prediction has not been confirmed by published transcriptional studies.

Literature cited by the submitters: PubMed 17576681; PubMed 9536098.